The following is an entry in ClinVar:

ClinVar aggregate classification (germline): Uncertain significance (0 of 4 stars; one submission).

Submissions (2):

Research Molecular Genetics Laboratory, Women's College Hospital, University of Toronto
Classification: Uncertain significance. Last evaluated: 2014-01-31. Review status: no assertion criteria provided. Collection method: research. Allele origin: germline. Affected: yes. Study: The Canadian Open Genetics Repository (COGR).

Brotman Baty Institute, University of Washington
No classification provided (evidence only). Condition: Breast-ovarian cancer, familial 1. Review status: no classification provided. Collection method: in vitro. Allele origin: not applicable. Functional consequence: functionally_normal. Not counted in ClinVar's aggregate classification.
ClinVar note: "not provided" was previously submitted as the classification for the variant. However, the classification appeared to be based only on an observation of functional data so it was converted to no classification on 2025-07-30.

NM_007294.4(BRCA1):c.5325G>A (p.Met1775Ile)

Gene: BRCA1 (BRCA1 DNA repair associated; minus strand). Cytogenetic location: 17q21.31.
Variant type: single nucleotide variant.
Coding change: c.5325G>A on transcript NM_007294.4 (MANE Select); coding-DNA position 5325, G replaced by A.
Protein change: p.Met1775Ile; replaces methionine 1775 with isoleucine.
Molecular consequence: missense variant. On other transcripts: non-coding transcript variant (1).
Genome position (GRCh38, 1-based): chr17:43,051,070, C>T on the plus strand (G>A on the coding strand, the complement: BRCA1 is on the minus strand). VCF-style: chr17-43051070-C-T. GRCh37 (hg19) VCF-style: chr17-41203087-C-T.
Other names: c.5112G>A, p.Met1704Ile (NM_001407571.1, NM_001407895.1, NM_001407896.1 and 12 more transcripts); c.5391G>A, p.Met1797Ile (NM_001407581.1, NM_001407582.1); c.5388G>A, p.Met1796Ile (NM_001407583.1, NM_001407585.1, NM_001407587.1 and 1 more transcripts); c.5385G>A, p.Met1795Ile (NM_001407590.1, NM_001407591.1); c.5325G>A, p.Met1775Ile (NM_001407593.1, NM_001407594.1, NM_001407596.1 and 6 more transcripts); c.5322G>A, p.Met1774Ile (NM_001407610.1, NM_001407611.1, NM_001407612.1 and 17 more transcripts); c.5319G>A, p.Met1773Ile (NM_001407627.1, NM_001407628.1, NM_001407629.1 and 14 more transcripts); c.5316G>A, p.Met1772Ile (NM_001407644.1, NM_001407645.1); and 72 more; short protein forms M1775I, M1796I, M1728I, M671I, M1646I, M1647I, M1686I, M1687I.
Identifiers: ClinVar variation 431278 (VCV000431278.4), dbSNP rs1135401885, ClinGen allele CA10590902.